The following is an entry in ClinVar:

ClinVar aggregate classification (germline): Pathogenic (1 of 4 stars; one submission).

Conditions:
Early-infantile DEE. Also called: Early infantile epileptic encephalopathy with suppression bursts; Early infantile epileptic encephalopathy; Ohtahara syndrome. Identifiers: Orphanet 1934, MedGen C0393706, MONDO:0800491.

Submission:

Labcorp Genetics (formerly Invitae), Labcorp
Classification: Pathogenic for Early-infantile DEE. Last evaluated: 2018-12-13. Review status: criteria provided, single submitter. Criteria: Invitae Variant Classification Sherloc (09022015). Collection method: clinical testing. Allele origin: germline.
Comment: This sequence change results in a premature translational stop signal in the SCN1A gene (p.Leu1800Argfs*58). While this is not anticipated to result in nonsense mediated decay, it is expected to disrupt the last 210 amino acids of the SCN1A protein. This variant is not present in population databases (ExAC no frequency). Experimental studies and prediction algorithms are not available for this variant, and the functional significance of the affected amino acid(s) is currently unknown. This variant has not been reported in the literature in individuals with SCN1A-related conditions. This variant disrupts the C-terminus of the SCN1A protein. Other variant(s) that disrupt this region (p.Arg1886*) have been determined to be pathogenic (PMID: 17054684, 18930999, 22409937, 17347258). This suggests that variants that disrupt this region of the protein are likely to be causative of disease. For these reasons, this variant has been classified as Pathogenic.

Literature cited by the submitters: PubMed 17054684; PubMed 18930999; PubMed 22409937; PubMed 17347258.

NM_001165963.4(SCN1A):c.5399del (p.Leu1800fs)

Genes: SCN1A (sodium voltage-gated channel alpha subunit 1; minus strand), LOC102724058 (uncharacterized LOC102724058; plus strand). Cytogenetic location: 2q24.3.
Variant type: Deletion.
Coding change: c.5399del on transcript NM_001165963.4 (MANE Select); coding-DNA position 5399, one base deleted (T; older notation c.5399delT).
Protein change: p.Leu1800fs; shifts the reading frame from leucine 1800.
Molecular consequence: frameshift variant. On other transcripts: non-coding transcript variant (1).
Genome position (GRCh38, 1-based): chr2:165,991,876, A deleted on the plus strand (T on the coding strand, the reverse complement: SCN1A is on the minus strand). VCF-style (leftmost placement, unchanged base first): chr2-165991875-CA-C. GRCh37 (hg19) VCF-style: chr2-166848385-CA-C.
Other names: c.5315del, p.Leu1772fs (NM_001165964.3, NM_001353957.2, NM_001353958.2); c.5399del, p.Leu1800fs (NM_001202435.3, NM_001353948.2); c.5366del, p.Leu1789fs (NM_001353949.2, NM_001353950.2, NM_001353951.2 and 2 more transcripts); c.5363del, p.Leu1788fs (NM_001353954.2, NM_001353955.2); c.5312del, p.Leu1771fs (NM_001353960.2); c.2957del, p.Leu986fs (NM_001353961.2); short protein forms L1788fs, L1800fs, L986fs, L1789fs, L1771fs, L1772fs.
Identifiers: ClinVar variation 650833 (VCV000650833.9), dbSNP rs1573946994, ClinGen allele CA915942865.